The following is an entry in ClinVar:

NM_000093.5(COL5A1):c.1271C>G (p.Thr424Ser)

Gene: COL5A1 (collagen type V alpha 1 chain; plus strand). Cytogenetic location: 9q34.3.
Variant type: single nucleotide variant.
Coding change: c.1271C>G on transcript NM_000093.5 (MANE Select); coding-DNA position 1271, C replaced by G.
Protein change: p.Thr424Ser; replaces threonine 424 with serine.
Molecular consequence: missense variant.
Genome position (GRCh38, 1-based): chr9:134,731,602, C>G. VCF-style: chr9-134731602-C-G. GRCh37 (hg19) VCF-style: chr9-137623448-C-G.
Other names: c.1271C>G, p.Thr424Ser (NM_001278074.1); c.1271C>G (NM_000093.3); short protein forms T424S.
Identifiers: ClinVar variation 409091 (VCV000409091.13), dbSNP rs752619850, ClinGen allele CA16612510.

ClinVar aggregate classification (germline): Conflicting classifications of pathogenicity. Review status: criteria provided, conflicting classifications (1 of 4 stars). 2 submissions from 2 submitters: Uncertain significance (1); Likely benign (1). Last evaluated 2025-10-30.

Conditions:
Ehlers-Danlos syndrome, classic type, 1 (EDSCL1). Also called: EHLERS-DANLOS SYNDROME, GRAVIS TYPE; EHLERS-DANLOS SYNDROME, SEVERE CLASSIC TYPE; Ehlers-Danlos Syndrome, Classic Type, COL5A1-Related; EDS I; Ehlers-Danlos syndrome, type 1. Identifiers: MedGen C0268335, MONDO:0019567, OMIM 130000.
Familial thoracic aortic aneurysm and aortic dissection (TAAD). Also called: Thoracic aortic aneurysms and dissections. Identifiers: Orphanet 91387, MedGen C4707243, MONDO:0019625.

Allele frequency attached by ClinVar (database versions not stated): TOPMed 0.00001.
gnomAD v4.1: 24 of 1,614,102 alleles (0.0015%); highest among the groups gnomAD compares: Non-Finnish European, 0.002%; no homozygotes.

Submissions (2):

Ambry Genetics
Classification: Uncertain significance for Familial thoracic aortic aneurysm and aortic dissection. Last evaluated: 2025-10-30. Review status: criteria provided, single submitter. Criteria: Ambry Variant Classification Scheme 2023. Collection method: clinical testing. Allele origin: germline.
Comment: The p.T424S variant (also known as c.1271C>G), located in coding exon 8 of the COL5A1 gene, results from a C to G substitution at nucleotide position 1271. The threonine at codon 424 is replaced by serine, an amino acid with similar properties. This amino acid position is well conserved in available vertebrate species. In addition, this alteration is predicted to be tolerated by in silico analysis. Based on the available evidence, the clinical significance of this variant remains unclear.

Labcorp Genetics (formerly Invitae), Labcorp
Classification: Likely benign for Ehlers-Danlos syndrome, classic type, 1. Last evaluated: 2024-09-04. Review status: criteria provided, single submitter. Criteria: Invitae Variant Classification Sherloc (09022015). Collection method: clinical testing. Allele origin: germline.